The following is an entry in ClinVar:

NM_025137.4(SPG11):c.1508dup (p.Asn503fs)

Gene: SPG11 (SPG11 vesicle trafficking associated, spatacsin; minus strand). Cytogenetic location: 15q21.1.
Variant type: Duplication.
Coding change: c.1508dup on transcript NM_025137.4 (MANE Select); coding-DNA position 1508, one base duplicated (A; older notation c.1508dupA).
Protein change: p.Asn503fs; shifts the reading frame from asparagine 503.
Molecular consequence: frameshift variant.
Genome position (GRCh38, 1-based): chr15:44,648,960, T duplicated on the plus strand (A on the coding strand, the reverse complement: SPG11 is on the minus strand); the first of 3 consecutive T bases (chr15:44,648,960-44,648,962); duplicating any one gives the same sequence. VCF-style (leftmost placement, unchanged base first): chr15-44648959-G-GT. GRCh37 (hg19) VCF-style: chr15-44941157-G-GT.
Other names: c.1508dup, p.Asn503fs (NM_001160227.2, NM_001411132.1); short protein forms N503fs.
Identifiers: ClinVar variation 4701793 (VCV004701793.1).

ClinVar aggregate classification (germline): Pathogenic (1 of 4 stars; one submission).

Conditions:
Hereditary spastic paraplegia 11. Also called: SPASTIC PARAPLEGIA, AUTOSOMAL RECESSIVE, COMPLICATED, WITH THIN CORPUS CALLOSUM; SPASTIC PARAPLEGIA, AUTOSOMAL RECESSIVE, WITH MENTAL IMPAIRMENT AND THIN CORPUS CALLOSUM; Spastic Paraplegia 11; Nakamura Osame syndrome; Autosomal recessive hereditary spastic paraplegia, mental impairment, and thin corpus callosum; Spastic paraplegia, mental retardation and thin corpus callosum. Identifiers: Orphanet 2822, MedGen C1858479, MONDO:0011445, OMIM 604360.

Submission:

Labcorp Genetics (formerly Invitae), Labcorp
Classification: Pathogenic for Hereditary spastic paraplegia 11. Last evaluated: 2025-10-13. Review status: criteria provided, single submitter. Criteria: Invitae Variant Classification Sherloc (09022015). Collection method: clinical testing. Allele origin: germline.
Comment: This sequence change creates a premature translational stop signal (p.Asn503Lysfs*55) in the SPG11 gene. It is expected to result in an absent or disrupted protein product. Loss-of-function variants in SPG11 are known to be pathogenic (PMID: 19105190, 20110243, 22154821, 26556829). This variant is not present in population databases (gnomAD no frequency). This variant has not been reported in the literature in individuals affected with SPG11-related conditions. For these reasons, this variant has been classified as Pathogenic.

Literature cited by the submitters: PubMed 19105190; PubMed 20110243; PubMed 22154821; PubMed 26556829.